The following is an entry in ClinVar:

ClinVar aggregate classification (germline): Uncertain significance. Review status: criteria provided, multiple submitters, no conflicts (2 of 4 stars). 2 submissions from 2 submitters: Uncertain significance (2). Last evaluated 2025-12-31.

Conditions:
Inborn genetic diseases. Identifiers: MedGen C0950123, MeSH D030342.

Allele frequency attached by ClinVar (database versions not stated): gnomAD 0.00009 and 0.00011; TOPMed 0.00011; 1000 Genomes Project 30x 0.00016; 1000 Genomes Project 0.00020; ESP Exome Variant Server 0.00023.
gnomAD v4.1: 41 of 1,614,114 alleles (0.0025%); highest among the groups gnomAD compares: African/African-American, 0.028%; 1 homozygote.

Submissions (2):

GeneDx
Classification: Uncertain significance. Last evaluated: 2025-12-31. Review status: criteria provided, single submitter. Criteria: GeneDx Variant Classification Process June 2021. Collection method: clinical testing. Allele origin: germline. Affected: yes.
Comment: In silico analysis suggests that this missense variant does not alter protein structure/function; Has not been previously published as pathogenic or benign to our knowledge

Ambry Genetics
Classification: Uncertain significance for Inborn genetic diseases. Last evaluated: 2025-05-13. Review status: criteria provided, single submitter. Criteria: Ambry Variant Classification Scheme 2023. Collection method: clinical testing. Allele origin: germline.

NM_001038603.3(MARVELD2):c.491G>A (p.Arg164Gln)

Gene: MARVELD2 (MARVEL domain containing 2; plus strand). Cytogenetic location: 5q13.2.
Variant type: single nucleotide variant.
Coding change: c.491G>A on transcript NM_001038603.3 (MANE Select); coding-DNA position 491, G replaced by A.
Protein change: p.Arg164Gln; replaces arginine 164 with glutamine.
Molecular consequence: missense variant.
Genome position (GRCh38, 1-based): chr5:69,419,876, G>A. VCF-style: chr5-69419876-G-A. GRCh37 (hg19) VCF-style: chr5-68715703-G-A.
Other names: c.491G>A, p.Arg164Gln (NM_001244734.2); short protein forms R164Q.
Identifiers: ClinVar variation 1341612 (VCV001341612.7), dbSNP rs151176949, ClinGen allele CA3294060.